The following is an entry in ClinVar:

NM_001035.3(RYR2):c.1827+4_1827+5inv

Gene: RYR2 (ryanodine receptor 2; plus strand). Cytogenetic location: 1q43.
Variant type: Inversion.
Coding change: c.1827+4_1827+5inv on transcript NM_001035.3 (MANE Select).
Molecular consequence: intron variant.
Genome position: GRCh38 VCF-style: chr1-237491928-AA-TT. GRCh37 (hg19) VCF-style: chr1-237655228-AA-TT.
Identifiers: ClinVar variation 3723877 (VCV003723877.2).

ClinVar aggregate classification (germline): Uncertain significance (1 of 4 stars; one submission).

Conditions:
Catecholaminergic polymorphic ventricular tachycardia 1. Also called: VENTRICULAR TACHYCARDIA, STRESS-INDUCED POLYMORPHIC 1; VENTRICULAR TACHYCARDIA, CATECHOLAMINERGIC POLYMORPHIC, 1, WITH OR WITHOUT ATRIAL DYSFUNCTION AND/OR DILATED CARDIOMYOPATHY; RYR2-Related Catecholaminergic Polymorphic Ventricular Tachycardia. Identifiers: Orphanet 3286, MedGen C1631597, MONDO:0011484, OMIM 604772.

Submission:

Labcorp Genetics (formerly Invitae), Labcorp
Classification: Uncertain significance for Catecholaminergic polymorphic ventricular tachycardia 1. Last evaluated: 2024-10-27. Review status: criteria provided, single submitter. Criteria: Invitae Variant Classification Sherloc (09022015). Collection method: clinical testing. Allele origin: germline.
Comment: This sequence change falls in intron 18 of the RYR2 gene. It does not directly change the encoded amino acid sequence of the RYR2 protein. It affects a nucleotide within the consensus splice site. Information on the frequency of this variant in the gnomAD database is not available, as this variant may be reported differently in the database. This variant has not been reported in the literature in individuals affected with RYR2-related conditions. Variants that disrupt the consensus splice site are a relatively common cause of aberrant splicing (PMID: 17576681, 9536098). Experimental studies and prediction algorithms are not available or were not evaluated, and the effect of this variant on mRNA splicing is currently unknown. In summary, the available evidence is currently insufficient to determine the role of this variant in disease. Therefore, it has been classified as a Variant of Uncertain Significance.

Literature cited by the submitters: PubMed 17576681; PubMed 9536098.